The following is an entry in ClinVar:

ClinVar aggregate classification (germline): Likely pathogenic (1 of 4 stars; one submission).

Submission:

Labcorp Genetics (formerly Invitae), Labcorp
Classification: Likely pathogenic. Last evaluated: 2022-03-18. Review status: criteria provided, single submitter. Criteria: Invitae Variant Classification Sherloc (09022015). Collection method: clinical testing. Allele origin: germline.
Comment: In summary, the currently available evidence indicates that the variant is pathogenic, but additional data are needed to prove that conclusively. Therefore, this variant has been classified as Likely Pathogenic. Algorithms developed to predict the effect of sequence changes on RNA splicing suggest that this variant may disrupt the consensus splice site. This variant has been observed in individual(s) with mandibulofacial dysostosis (Invitae). This variant is not present in population databases (gnomAD no frequency). This variant results in the deletion of part of exon 26 (c.2562-2_2562del) of the EFTUD2 gene. It is expected to disrupt RNA splicing. Variants that disrupt the donor or acceptor splice site typically lead to a loss of protein function (PMID: 16199547), and loss-of-function variants in EFTUD2 are known to be pathogenic (PMID: 24999515, 26507355).

Literature cited by the submitters: PubMed 16199547; PubMed 24999515; PubMed 26507355.

NM_004247.4(EFTUD2):c.2562-2_2562del

Gene: EFTUD2 (elongation factor Tu GTP binding domain containing 2; minus strand). Cytogenetic location: 17q21.31.
Variant type: Deletion.
Coding change: c.2562-2_2562del on transcript NM_004247.4 (MANE Select); the canonical splice acceptor site of the intron before coding-DNA position 2562 through coding-DNA position 2562, 3 bases deleted (AGG; older notation c.2562-2_2562delAGG).
Molecular consequence: splice acceptor variant.
Genome position (GRCh38, 1-based): chr17:44,852,562-44,852,564, CCT deleted on the plus strand (AGG on the coding strand, the reverse complement: EFTUD2 is on the minus strand). VCF-style (leftmost placement, unchanged base first): chr17-44852561-CCCT-C. GRCh37 (hg19) VCF-style: chr17-42929929-CCCT-C.
Other names: c.2457-2_2457del (NM_001142605.2); c.2532-2_2532del (NM_001258354.2); c.2562-2_2562del (NM_001258353.2).
Identifiers: ClinVar variation 2113532 (VCV002113532.4), dbSNP rs2508718729, ClinGen allele CA2580093903.